The following is an entry in ClinVar:

ClinVar aggregate classification (germline): Benign. Review status: criteria provided, multiple submitters, no conflicts (2 of 4 stars). 3 submissions from 3 submitters: Benign (3). Last evaluated 2026-02-04.

Conditions:
Hereditary cancer-predisposing syndrome. Also called: Hereditary Cancer Syndrome; Hereditary neoplastic syndrome; Neoplastic Syndromes, Hereditary; Tumor predisposition. Identifiers: Orphanet 140162, MedGen C0027672, MeSH D009386, MONDO:0015356.

Allele frequency attached by ClinVar (database versions not stated): 1000 Genomes Project 30x 0.05887; 1000 Genomes Project 0.05931; TOPMed 0.07475; gnomAD 0.07695 and 0.07727; ESP Exome Variant Server 0.08096; gnomAD exomes 0.08671 and 0.10352; ExAC 0.08765.

Submissions (3):

Labcorp Genetics (formerly Invitae), Labcorp
Classification: Benign. Last evaluated: 2026-02-04. Review status: criteria provided, single submitter. Criteria: Invitae Variant Classification Sherloc (09022015). Collection method: clinical testing. Allele origin: germline.

GeneKor MSA
Classification: Benign for Hereditary cancer-predisposing syndrome. Last evaluated: 2025-07-10. Review status: criteria provided, single submitter. Criteria: ACMG Guidelines, 2015. Collection method: clinical testing. Allele origin: germline.

GeneDx
Classification: Benign. Last evaluated: 2019-06-14. Review status: criteria provided, single submitter. Criteria: GeneDx Variant Classification Process June 2021. Collection method: clinical testing. Allele origin: germline. Affected: yes.
Comment: This variant is associated with the following publications: (PMID: 23104382, 27153395)

NM_001130009.3(GEN1):c.2515_2519del (p.Lys839fs)

Gene: GEN1 (GEN1 structure-specific endonuclease; plus strand). Cytogenetic location: 2p24.2.
Variant type: Deletion.
Coding change: c.2515_2519del on transcript NM_001130009.3 (MANE Select); coding-DNA positions 2515 to 2519, 5 bases deleted (AAGTT; older notation c.2515_2519delAAGTT).
Protein change: p.Lys839fs; shifts the reading frame from lysine 839.
Molecular consequence: frameshift variant.
Genome position (GRCh38, 1-based): chr2:17,781,727-17,781,731, AAGTT deleted. VCF-style (leftmost placement, unchanged base first): chr2-17781726-CAAGTT-C. GRCh37 (hg19) VCF-style: chr2-17962993-CAAGTT-C.
Other names: c.2515_2519del, p.Lys839fs (NM_182625.5); short protein forms K839fs.
Identifiers: ClinVar variation 1168946 (VCV001168946.13), dbSNP rs149936944, ClinGen allele CA1540972.